The following is an entry in ClinVar:

ClinVar aggregate classification (germline): Benign/Likely benign. Review status: criteria provided, multiple submitters, no conflicts (2 of 4 stars). 9 submissions from 9 submitters: Benign (6); Likely benign (2). 1 of the submissions does not count toward it. Last evaluated 2026-02-01.

Conditions:
TINF2-related disorder. Also called: TINF2-related condition.
Dyskeratosis congenita. Identifiers: Orphanet 1775, MedGen C0265965, MONDO:0015780.

Allele frequency attached by ClinVar (database versions not stated): gnomAD exomes 0.00062 and 0.00165; ExAC 0.00214; gnomAD 0.00646 and 0.00688; 1000 Genomes Project 0.00679; 1000 Genomes Project 30x 0.00703; TOPMed 0.00738; ESP Exome Variant Server 0.00788.

Submissions (9):

Labcorp Genetics (formerly Invitae), Labcorp
Classification: Benign for Dyskeratosis congenita. Last evaluated: 2026-02-01. Review status: criteria provided, single submitter. Criteria: Invitae Variant Classification Sherloc (09022015). Collection method: clinical testing. Allele origin: germline.

Center for Genomic Medicine, Rigshospitalet, Copenhagen University Hospital
Classification: Benign. Last evaluated: 2025-12-29. Review status: criteria provided, single submitter. Criteria: ACMG Guidelines, 2015. Collection method: clinical testing. Allele origin: germline.
Comment: Classification criteria: BA1

Genomic Medicine Center of Excellence, King Faisal Specialist Hospital and Research Centre
Classification: Likely benign. Last evaluated: 2025-08-18. Review status: criteria provided, single submitter. Criteria: ACMG Guidelines, 2015. Collection method: clinical testing. Allele origin: germline.

ARUP Laboratories, Molecular Genetics and Genomics, ARUP Laboratories
Classification: Benign. Last evaluated: 2024-12-20. Review status: criteria provided, single submitter. Criteria: ARUP Molecular Germline Variant Investigation Process 2024. Collection method: clinical testing. Allele origin: germline.

Blueprint Genetics
Classification: Likely benign. Last evaluated: 2024-11-01. Review status: criteria provided, single submitter. Criteria: ACMG Guidelines, 2015. Collection method: clinical testing. Allele origin: germline.

Genetic Services Laboratory, University of Chicago
Classification: Benign. Last evaluated: 2020-11-11. Review status: criteria provided, single submitter. Criteria: ACMG Guidelines, 2015. Collection method: clinical testing. Allele origin: germline. Affected: no.

GeneDx
Classification: Benign. Last evaluated: 2019-12-06. Review status: criteria provided, single submitter. Criteria: GeneDx Variant Classification Process June 2021. Collection method: clinical testing. Allele origin: germline. Affected: yes.
Comment: In silico analysis, which includes protein predictors and evolutionary conservation, supports a deleterious effect; This variant is associated with the following publications: (PMID: 21199492, 30964210)

Breakthrough Genomics
Classification: Benign. Review status: criteria provided, single submitter. Criteria: ACMG Guidelines, 2015. Collection method: not provided. Allele origin: germline. Inheritance: Autosomal dominant inheritance. Affected: yes.

PreventionGenetics, part of Exact Sciences
Classification: Benign for TINF2-related condition. Last evaluated: 2019-05-02. Review status: no assertion criteria provided. Collection method: clinical testing. Allele origin: germline. Not counted in ClinVar's aggregate classification.
Comment: This variant is classified as benign based on ACMG/AMP sequence variant interpretation guidelines (Richards et al. 2015 PMID: 25741868, with internal and published modifications).

NM_001099274.3(TINF2):c.721C>T (p.Pro241Ser)

Gene: TINF2 (TERF1 interacting nuclear factor 2; minus strand). Cytogenetic location: 14q12.
Variant type: single nucleotide variant.
Coding change: c.721C>T on transcript NM_001099274.3 (MANE Select); coding-DNA position 721, C replaced by T.
Protein change: p.Pro241Ser; replaces proline 241 with serine.
Molecular consequence: missense variant.
Genome position (GRCh38, 1-based): chr14:24,240,759, G>A on the plus strand (C>T on the coding strand, the complement: TINF2 is on the minus strand). VCF-style: chr14-24240759-G-A. GRCh37 (hg19) VCF-style: chr14-24709965-G-A.
Other names: c.616C>T, p.Pro206Ser (NM_001363668.2); c.721C>T, p.Pro241Ser (NM_012461.3); short protein forms P241S, P206S.
Identifiers: ClinVar variation 413988 (VCV000413988.24), dbSNP rs17102311, ClinGen allele CA7130571.